The following is an entry in ClinVar:

ClinVar aggregate classification (germline): Uncertain significance (1 of 4 stars; one submission).

Conditions:
Inborn genetic diseases. Identifiers: MedGen C0950123, MeSH D030342.

gnomAD v4.1: 4 of 1,614,068 alleles (0.00025%); highest among the groups gnomAD compares: African/African-American, 0.0027%; no homozygotes.

Submission:

Ambry Genetics
Classification: Uncertain significance for Inborn genetic diseases. Last evaluated: 2025-08-02. Review status: criteria provided, single submitter. Criteria: Ambry Variant Classification Scheme 2023. Collection method: clinical testing. Allele origin: germline.
Comment: The p.H557R variant (also known as c.1670A>G), located in coding exon 12 of the BMPR2 gene, results from an A to G substitution at nucleotide position 1670. The histidine at codon 557 is replaced by arginine, an amino acid with highly similar properties. This amino acid position is conserved. In addition, the in silico prediction for this alteration is inconclusive. Based on the available evidence, the clinical significance of this variant remains unclear.

NM_001204.7(BMPR2):c.1670A>G (p.His557Arg)

Gene: BMPR2 (bone morphogenetic protein receptor type 2; plus strand). Cytogenetic location: 2q33.2.
Variant type: single nucleotide variant.
Coding change: c.1670A>G on transcript NM_001204.7 (MANE Select); coding-DNA position 1670, A replaced by G.
Protein change: p.His557Arg; replaces histidine 557 with arginine.
Molecular consequence: missense variant.
Genome position (GRCh38, 1-based): chr2:202,555,335, A>G. VCF-style: chr2-202555335-A-G. GRCh37 (hg19) VCF-style: chr2-203420058-A-G.
Other names: short protein forms H557R.
Identifiers: ClinVar variation 4214476 (VCV004214476.1).